The following is an entry in ClinVar:

ClinVar aggregate classification (germline): Uncertain significance (1 of 4 stars; one submission).

Submission:

Labcorp Genetics (formerly Invitae), Labcorp
Classification: Uncertain significance. Last evaluated: 2024-11-09. Review status: criteria provided, single submitter. Criteria: Invitae Variant Classification Sherloc (09022015). Collection method: clinical testing. Allele origin: germline.
Comment: This sequence change replaces lysine, which is basic and polar, with asparagine, which is neutral and polar, at codon 264 of the CHRM2 protein (p.Lys264Asn). This variant is not present in population databases (gnomAD no frequency). This variant has not been reported in the literature in individuals affected with CHRM2-related conditions. An algorithm developed to predict the effect of missense changes on protein structure and function (PolyPhen-2) suggests that this variant is likely to be tolerated. In summary, the available evidence is currently insufficient to determine the role of this variant in disease. Therefore, it has been classified as a Variant of Uncertain Significance.

NM_001006630.2(CHRM2):c.792A>C (p.Lys264Asn)

Genes: CHRM2 (cholinergic receptor muscarinic 2; plus strand), LOC349160 (uncharacterized LOC349160; minus strand). Cytogenetic location: 7q33.
Variant type: single nucleotide variant.
Coding change: c.792A>C on transcript NM_001006630.2 (MANE Select); coding-DNA position 792, A replaced by C.
Protein change: p.Lys264Asn; replaces lysine 264 with asparagine.
Molecular consequence: missense variant.
Genome position (GRCh38, 1-based): chr7:137,015,657, A>C. VCF-style: chr7-137015657-A-C. GRCh37 (hg19) VCF-style: chr7-136700404-A-C.
Other names: c.792A>C, p.Lys264Asn (NM_000739.3, NM_001006626.3, NM_001006627.3 and 6 more transcripts); short protein forms K264N.
Identifiers: ClinVar variation 3677009 (VCV003677009.2).